The following is an entry in ClinVar:

ClinVar aggregate classification (germline): Likely benign. Review status: criteria provided, single submitter (1 of 4 stars). 2 submissions from 2 submitters: Likely benign (1). 1 of the submissions does not count toward it. Last evaluated 2026-07-01.

Conditions:
DNMBP-related disorder. Also called: DNMBP-related condition.

Allele frequency attached by ClinVar (database versions not stated): gnomAD exomes 0.00001; ExAC 0.00005; ESP Exome Variant Server 0.00015; TOPMed 0.00016; gnomAD 0.00018.
gnomAD v4.1: 48 of 1,614,110 alleles (0.003%); highest among the groups gnomAD compares: African/African-American, 0.059%; no homozygotes.

Submissions (2):

CeGaT Center for Human Genetics Tuebingen
Classification: Likely benign. Last evaluated: 2026-07-01. Review status: criteria provided, single submitter. Criteria: CeGaT Center For Human Genetics Tuebingen Variant Classification Criteria Version 2. Collection method: clinical testing. Allele origin: germline. Affected: yes. Observed: 1 variant allele.
Comment: DNMBP: BP4, BP7

PreventionGenetics, part of Exact Sciences
Classification: Likely benign for DNMBP-related condition. Last evaluated: 2019-10-04. Review status: no assertion criteria provided. Collection method: clinical testing. Allele origin: germline. Not counted in ClinVar's aggregate classification.
Comment: This variant is classified as likely benign based on ACMG/AMP sequence variant interpretation guidelines (Richards et al. 2015 PMID: 25741868, with internal and published modifications).

NM_015221.4(DNMBP):c.1641C>T (p.Asp547=)

Genes: DNMBP (dynamin binding protein; minus strand), DNMBP-AS1 (DNMBP antisense RNA 1; plus strand). Cytogenetic location: 10q24.2.
Variant type: single nucleotide variant.
Coding change: c.1641C>T on transcript NM_015221.4 (MANE Select); coding-DNA position 1641, C replaced by T.
Protein change: p.Asp547=; no amino-acid change (aspartic acid 547 retained).
Molecular consequence: synonymous variant.
Genome position (GRCh38, 1-based): chr10:99,955,833, G>A on the plus strand (C>T on the coding strand, the complement: DNMBP is on the minus strand). VCF-style: chr10-99955833-G-A. GRCh37 (hg19) VCF-style: chr10-101715590-G-A.
Identifiers: ClinVar variation 3046112 (VCV003046112.3), dbSNP rs371385100, ClinGen allele CA5645164.